The following is an entry in ClinVar:

NC_000009.12:g.35657863G>A

Gene: RMRP (RNA component of mitochondrial RNA processing endoribonuclease; minus strand). Cytogenetic location: 9p13.3.
Variant type: single nucleotide variant.
Genome position: GRCh38 VCF-style: chr9-35657863-G-A. GRCh37 (hg19) VCF-style: chr9-35657860-G-A.
Identifiers: ClinVar variation 2144077 (VCV002144077.1), dbSNP rs149105942, ClinGen allele CA192745597.
Genomic context (GRCh38, chr9:35,657,863, plus strand): 5'-CTGCGTAACTAGAGGGAGCTGACGGATGACGCCCCCGCGCCACGCCGCTCAGCGGGATAC[G>A]CTTCTTGGCGGACTTTGGAGTGGGAAGCGGGGAATGTCTACGTGCGTATGCACGTGGCAC-3'

ClinVar aggregate classification (germline): Uncertain significance (1 of 4 stars; one submission).

Conditions:
Anauxetic dysplasia. Identifiers: Orphanet 93347, MedGen C1846796, MONDO:0011773.

Allele frequency attached by ClinVar (database versions not stated): 1000 Genomes Project 30x 0.00016.
gnomAD v4.1: 15 of 693,348 alleles (0.0022%); highest among the groups gnomAD compares: East Asian, 0.019%; no homozygotes.

Submission:

Labcorp Genetics (formerly Invitae), Labcorp
Classification: Uncertain significance for Anauxetic dysplasia. Last evaluated: 2022-06-19. Review status: criteria provided, single submitter. Criteria: Invitae Variant Classification Sherloc (09022015). Collection method: clinical testing. Allele origin: germline.
Comment: This variant occurs in the RMRP gene, which encodes an RNA molecule that does not result in a protein product. This variant is present in population databases (rs149105942, gnomAD 0.01%). This variant has not been reported in the literature in individuals affected with RMRP-related conditions. Experimental studies and prediction algorithms are not available or were not evaluated, and the functional significance of this variant is currently unknown. In summary, the available evidence is currently insufficient to determine the role of this variant in disease. Therefore, it has been classified as a Variant of Uncertain Significance.